The following is an entry in ClinVar:

ClinVar aggregate classification (germline): Uncertain significance (1 of 4 stars; one submission).

Conditions:
Intellectual disability, autosomal recessive 53 (NEDHSCA). Also called: Mental retardation, autosomal recessive 53; GLYCOSYLPHOSPHATIDYLINOSITOL BIOSYNTHESIS DEFECT 13; NEURODEVELOPMENTAL DISORDER WITH OR WITHOUT HYPOTONIA, SEIZURES, AND CEREBELLAR ATROPHY. Identifiers: Orphanet 488635, MedGen C4310794, MONDO:0014832, OMIM 616917.

Allele frequency attached by ClinVar (database versions not stated): TOPMed 0.00002.
gnomAD v4.1: 101 of 1,601,168 alleles (0.0063%); highest among the groups gnomAD compares: Non-Finnish European, 0.0083%; no homozygotes.

Submission:

Labcorp Genetics (formerly Invitae), Labcorp
Classification: Uncertain significance for Intellectual disability, autosomal recessive 53. Last evaluated: 2026-01-05. Review status: criteria provided, single submitter. Criteria: Invitae Variant Classification Sherloc (09022015). Collection method: clinical testing. Allele origin: germline.
Comment: This sequence change replaces proline, which is neutral and non-polar, with threonine, which is neutral and polar, at codon 540 of the PIGG protein (p.Pro540Thr). This variant is present in population databases (rs768849981, gnomAD 0.007%). This variant has not been reported in the literature in individuals affected with PIGG-related conditions. ClinVar contains an entry for this variant (Variation ID: 960494). Invitae Evidence Modeling of protein sequence and biophysical properties (such as structural, functional, and spatial information, amino acid conservation, physicochemical variation, residue mobility, and thermodynamic stability) indicates that this missense variant is not expected to disrupt PIGG protein function with a negative predictive value of 80%. In summary, the available evidence is currently insufficient to determine the role of this variant in disease. Therefore, it has been classified as a Variant of Uncertain Significance.

NM_001127178.3(PIGG):c.1618C>A (p.Pro540Thr)

Gene: PIGG (phosphatidylinositol glycan anchor biosynthesis class G (EMM blood group); plus strand). Cytogenetic location: 4p16.3.
Variant type: single nucleotide variant.
Coding change: c.1618C>A on transcript NM_001127178.3 (MANE Select); coding-DNA position 1618, C replaced by A.
Protein change: p.Pro540Thr; replaces proline 540 with threonine.
Molecular consequence: missense variant. On other transcripts: non-coding transcript variant (7).
Genome position (GRCh38, 1-based): chr4:523,462, C>A. VCF-style: chr4-523462-C-A. GRCh37 (hg19) VCF-style: chr4-517251-C-A.
Other names: c.1351C>A, p.Pro451Thr (NM_001289051.2, NM_001345986.2); c.1219C>A, p.Pro407Thr (NM_001289052.2); c.1327C>A, p.Pro443Thr (NM_001345987.2); c.589C>A, p.Pro197Thr (NM_001345988.2); c.85C>A, p.Pro29Thr (NM_001345990.2, NM_001345991.2); c.520C>A, p.Pro174Thr (NM_001345994.2); c.1594C>A, p.Pro532Thr (NM_017733.5); short protein forms P197T, P443T, P540T, P29T, P532T, P174T, P407T, P451T.
Identifiers: ClinVar variation 960494 (VCV000960494.9), dbSNP rs768849981, ClinGen allele CA2793415.